The following is an entry in ClinVar:

NM_001142864.4(PIEZO1):c.4957C>T (p.Arg1653Cys)

Gene: PIEZO1 (piezo type mechanosensitive ion channel component 1 (Er blood group); minus strand). Cytogenetic location: 16q24.3.
Variant type: single nucleotide variant.
Coding change: c.4957C>T on transcript NM_001142864.4 (MANE Select); coding-DNA position 4957, C replaced by T.
Protein change: p.Arg1653Cys; replaces arginine 1653 with cysteine.
Molecular consequence: missense variant.
Genome position (GRCh38, 1-based): chr16:88,722,065, G>A on the plus strand (C>T on the coding strand, the complement: PIEZO1 is on the minus strand). VCF-style: chr16-88722065-G-A. GRCh37 (hg19) VCF-style: chr16-88788473-G-A.
Other names: p.Arg1653Cys; c.4957C>T (NM_001142864.3); c.3499C>T, p.Arg1167Cys (NM_014745.1); short protein forms R1167C, R1653C.
Identifiers: ClinVar variation 2393879 (VCV002393879.16), dbSNP rs761500193, ClinGen allele CA8231979.

ClinVar aggregate classification (germline): Conflicting classifications of pathogenicity. Review status: criteria provided, conflicting classifications (1 of 4 stars). 8 submissions from 8 submitters: Uncertain significance (6); Likely benign (1). 1 of the submissions does not count toward it. Last evaluated 2025-08-18.

Conditions:
PIEZO1-related disorder. Also called: PIEZO1-related condition; PIEZO1-Related Disorders.
Inborn genetic diseases. Identifiers: MedGen C0950123, MeSH D030342.

Allele frequency attached by ClinVar (database versions not stated): ExAC 0.00026; gnomAD 0.00060.
gnomAD v4.1: 234 of 1,544,796 alleles (0.015%); highest among the groups gnomAD compares: African/African-American, 0.19%; no homozygotes.

Submissions (8):

Labcorp Genetics (formerly Invitae), Labcorp
Classification: Uncertain significance. Last evaluated: 2025-08-18. Review status: criteria provided, single submitter. Criteria: Invitae Variant Classification Sherloc (09022015). Collection method: clinical testing. Allele origin: germline.
Comment: This sequence change replaces arginine, which is basic and polar, with cysteine, which is neutral and slightly polar, at codon 1653 of the PIEZO1 protein (p.Arg1653Cys). This variant is present in population databases (rs761500193, gnomAD 0.2%). This variant has not been reported in the literature in individuals affected with PIEZO1-related conditions. ClinVar contains an entry for this variant (Variation ID: 2393879). An algorithm developed to predict the effect of missense changes on protein structure and function outputs the following: PolyPhen-2: "Benign". The cysteine amino acid residue is found in multiple mammalian species, which suggests that this missense change does not adversely affect protein function. In summary, the available evidence is currently insufficient to determine the role of this variant in disease. Therefore, it has been classified as a Variant of Uncertain Significance.

Center for Genomic Medicine, Rigshospitalet, Copenhagen University Hospital
Classification: Uncertain significance. Last evaluated: 2025-03-04. Review status: criteria provided, single submitter. Criteria: ACMG Guidelines, 2015. Collection method: clinical testing. Allele origin: germline.

Revvity Omics, Revvity
Classification: Uncertain significance. Last evaluated: 2025-01-08. Review status: criteria provided, single submitter. Criteria: ACMG Guidelines, 2015. Collection method: clinical testing. Allele origin: germline.

ARUP Laboratories, Molecular Genetics and Genomics, ARUP Laboratories
Classification: Likely benign. Last evaluated: 2024-03-07. Review status: criteria provided, single submitter. Criteria: ARUP Molecular Germline Variant Investigation Process 2024. Collection method: clinical testing. Allele origin: germline.

GeneDx
Classification: Uncertain significance. Last evaluated: 2023-02-01. Review status: criteria provided, single submitter. Criteria: GeneDx Variant Classification Process June 2021. Collection method: clinical testing. Allele origin: germline. Affected: yes.
Comment: In silico analysis supports that this missense variant has a deleterious effect on protein structure/function; Has not been previously published as pathogenic or benign to our knowledge

Mayo Clinic Laboratories, Mayo Clinic
Classification: Uncertain significance. Last evaluated: 2022-06-24. Review status: criteria provided, single submitter. Criteria: ACMG Guidelines, 2015. Collection method: clinical testing. Allele origin: germline. Observed: 3 variant alleles.
Comment: BP4_strong

Ambry Genetics
Classification: Uncertain significance for Inborn genetic diseases. Last evaluated: 2021-10-06. Review status: criteria provided, single submitter. Criteria: Ambry Variant Classification Scheme 2023. Collection method: clinical testing. Allele origin: germline.

PreventionGenetics, part of Exact Sciences
Classification: Uncertain significance for PIEZO1-related condition. Last evaluated: 2024-01-23. Review status: no assertion criteria provided. Collection method: clinical testing. Allele origin: germline. Not counted in ClinVar's aggregate classification.
Comment: The PIEZO1 c.4957C>T variant is predicted to result in the amino acid substitution p.Arg1653Cys. To our knowledge, this variant has not been reported in the literature. This variant is reported in 0.19% of alleles in individuals of African descent in gnomAD, which is more common than expected for a primary cause of disease. Although we suspect that this variant may be benign, at this time, the clinical significance is uncertain due to the absence of conclusive functional and genetic evidence.